The following is an entry in ClinVar:

NM_021830.5(TWNK):c.1754A>G (p.Asn585Ser)

Gene: TWNK (twinkle mtDNA helicase; plus strand). Cytogenetic location: 10q24.31.
Variant type: single nucleotide variant.
Coding change: c.1754A>G on transcript NM_021830.5 (MANE Select); coding-DNA position 1754, A replaced by G.
Protein change: p.Asn585Ser; replaces asparagine 585 with serine.
Molecular consequence: missense variant. On other transcripts: 3 prime UTR variant (2), non-coding transcript variant (5).
Genome position (GRCh38, 1-based): chr10:100,993,209, A>G. VCF-style: chr10-100993209-A-G. GRCh37 (hg19) VCF-style: chr10-102752966-A-G.
Other names: c.*49A>G (NM_001163812.2, NM_001163814.2); c.392A>G, p.Asn131Ser (NM_001163813.2, NM_001368275.1); short protein forms N585S, N131S.
Identifiers: ClinVar variation 162049 (VCV000162049.9), dbSNP rs672601360, ClinGen allele CA174963.
Genomic context (GRCh38, chr10:100,993,209, plus strand): 5'-CTCTTACTCCTGCTTTCCTCCTTCTGCCCCCTGTTCCCCAGGCAAGCCAGGAAGCAGACA[A>G]TGTTCTGATCCTGCAGGACAGGAAGCTGGTAACCGGGCCAGGGAAACGGTATCTGCAGGT-3'
Protein context (NP_068602.2, residues 575-595): GSAKASQEAD[Asn585Ser]VLILQDRKLV

ClinVar aggregate classification (germline): Pathogenic/Likely pathogenic. Review status: criteria provided, multiple submitters, no conflicts (2 of 4 stars). 5 submissions from 5 submitters: Pathogenic (1); Likely pathogenic (1). 3 of the submissions do not count toward it. Last evaluated 2025-03-25.

Conditions:
Perrault syndrome. Also called: Gonadal dysgenesis with auditory dysfunction, autosomal recessive inheritance. Identifiers: Orphanet 2855, MedGen C0685838, MONDO:0017312.
Infantile onset spinocerebellar ataxia (MTDPS7). Also called: Mitochondrial DNA depletion syndrome 7 (hepatocerebral type); OPHTHALMOPLEGIA, HYPOTONIA, ATAXIA, HYPOACUSIS, AND ATHETOSIS; OHAHA SYNDROME; SPINOCEREBELLAR ATAXIA, INFANTILE, WITH SENSORY NEUROPATHY. Identifiers: Orphanet 1186, MedGen C1849096, MONDO:0010060, OMIM 271245.
Perrault syndrome 5 (PRLTS5). Identifiers: Orphanet 2855, MedGen C4015307, MONDO:0014504, OMIM 616138.

Allele frequency attached by ClinVar (database versions not stated): gnomAD exomes below 0.00001 and 0.00001; gnomAD 0.00001; ExAC 0.00002; TOPMed 0.00001.
gnomAD v4.1: 14 of 1,613,988 alleles (0.00087%); highest among the groups gnomAD compares: East Asian, 0.0022%; no homozygotes.

Submissions (5):

First Genomix Gene Laboratory, Genetic Diagnostics Department
Classification: Likely pathogenic for Infantile onset spinocerebellar ataxia; Perrault syndrome 5. Last evaluated: 2025-03-25. Review status: criteria provided, single submitter. Criteria: ACMG Guidelines, 2015. Collection method: clinical testing. Allele origin: germline. Inheritance: Autosomal recessive inheritance. Affected: no. Observed: 1 variant allele.

Labcorp Genetics (formerly Invitae), Labcorp
Classification: Pathogenic. Last evaluated: 2022-11-10. Review status: criteria provided, single submitter. Criteria: Invitae Variant Classification Sherloc (09022015). Collection method: clinical testing. Allele origin: germline.
Comment: This sequence change replaces asparagine, which is neutral and polar, with serine, which is neutral and polar, at codon 585 of the TWNK protein (p.Asn585Ser). This variant is present in population databases (rs672601360, gnomAD 0.002%). This missense change has been observed in individual(s) with clinical features of autosomal recessive TWNK-related conditions (PMID: 25355836). In at least one individual the data is consistent with being in trans (on the opposite chromosome) from a pathogenic variant. It has also been observed to segregate with disease in related individuals. ClinVar contains an entry for this variant (Variation ID: 162049). Advanced modeling of protein sequence and biophysical properties (such as structural, functional, and spatial information, amino acid conservation, physicochemical variation, residue mobility, and thermodynamic stability) performed at Invitae indicates that this missense variant is expected to disrupt TWNK protein function. For these reasons, this variant has been classified as Pathogenic.

Department of Neurology, The Second Affiliated Hospital of Xinjiang Medical University
Classification: Pathogenic for Perrault syndrome 5. Last evaluated: 2026-07-28. Review status: no assertion criteria provided. Collection method: clinical testing. Allele origin: germline. Inheritance: Autosomal recessive inheritance. Affected: yes. Observed: 1 variant allele, 1 compound heterozygote. Not counted in ClinVar's aggregate classification.
Comment: This variant is absent in population databases (gnomAD). In silico prediction tools (PolyPhen-2, SIFT, MutationTaster) consistently predict this variant to be damaging. This variant has not been previously reported in the literature to our knowledge. Based on ACMG/AMP criteria: PM2 (absent from controls), PM3 (for recessive disorders, detected in trans with a pathogenic variant), PP1 (co-segregation with disease in multiple family members), PP3 (multiple in silico tools predict damaging), and PP4 (patient's phenotype is specific for the disease), we classify this variant as pathogenic.

OMIM
Classification: Pathogenic for PERRAULT SYNDROME 5. Last evaluated: 2014-11-25. Review status: no assertion criteria provided. Collection method: literature only. Allele origin: germline. Not counted in ClinVar's aggregate classification.

GeneReviews
No classification provided. Condition: Perrault syndrome. Review status: no classification provided. Collection method: literature only. Allele origin: germline. Not counted in ClinVar's aggregate classification.

Literature cited by the submitters: PubMed 25355836 (cited by 4 submitters).